The following is an entry in ClinVar:

ClinVar aggregate classification (germline): Conflicting classifications of pathogenicity. Review status: criteria provided, conflicting classifications (1 of 4 stars). 3 submissions from 3 submitters: Pathogenic (1); Likely pathogenic (1); Uncertain significance (1). Last evaluated 2025-12-16.

Conditions:
Autism (AUTS). Also called: Autistic disorder; Autistic disorder of childhood onset. Identifiers: MedGen C0004352, MeSH D001321, MONDO:0005260, OMIM 209850, HP:0000717.
DSCAM-related disorder. Also called: DSCAM-related condition.
DSCAM-related neurodevelopmental and retinal dysfunction syndrome.

Submissions (3):

Center for Medical Genetics and Molecular Medicine, Haukeland University Hospital
Classification: Pathogenic for DSCAM-related neurodevelopmental and retinal dysfunction syndrome. Last evaluated: 2025-12-16. Review status: criteria provided, single submitter. Criteria: ACMG Guidelines, 2015. Collection method: clinical testing. Allele origin: biparental. Inheritance: Autosomal recessive inheritance. Affected: yes. Observed: 2 variant alleles, 2 homozygotes.
Comment: The NM_001389.5:c.4420G>T variant introduces a premature translational termination codon (PTC) in DSCAM, resulting in p.(Glu1474*) within exon 25 of 33. This nonsense variant is predicted to cause either production of a truncated protein lacking critical C terminal domains or degradation of the mutant transcript through nonsense mediated mRNA decay (NMD). The variant is extremely rare in population databases, having been reported only twice in gnomAD v4.1.1 (allele frequency 8.6 × 10⁻⁶), with no homozygous occurrences. Consistent with these findings, two unrelated individuals homozygous for predicted or confirmed loss of function variants in DSCAM have previously been reported with overlapping phenotypes (PMID: 28600779; 33170561), supporting a loss of function disease mechanism for this gene. In summary, this variant fulfils ACMG/AMP criteria for pathogenicity, including PVS1 (Very Strong) for a null variant and PM2 (Moderate) for rarity in population control databases. Therefore, the NM_001389.5:c.4420G>T (p.Glu1474*) variant is classified as pathogenic.

Victorian Clinical Genetics Services, Murdoch Childrens Research Institute
Classification: Uncertain significance for Autism. Last evaluated: 2023-07-17. Review status: criteria provided, single submitter. Criteria: ACMG Guidelines, 2015. Collection method: clinical testing. Allele origin: germline. Inheritance: Autosomal dominant inheritance. Affected: yes.
Comment: Based on the classification scheme VCGS_Germline_v1.3.4, this variant is classified as VUS-3B. Following criteria are met: 0102 - Loss of function is a likely mechanism of disease in this gene and is associated with autism, MONDO:0005260, DSCAM-related. (I) 0111 - The inheritance pattern for this gene is unknown. Most reported individuals with variant in this gene have an autosomal dominant inheritance pattern with many de novo variants reported. However, there are at least three individuals reported to be homozygous for high impact DSCAM variants, suggesting an autosomal recessive mode of inheritance (DECIPHER, ClinVar, PMID: 28600779). (I) 0201 - Variant is predicted to cause nonsense-mediated decay (NMD) and loss of protein (premature termination codon is located at least 54 nucleotides upstream of the final exon-exon junction). (SP) 0251 - This variant is heterozygous. (I) 0302 - Variant is present in gnomAD (v2) <0.001 for a dominant condition (2 heterozygotes, 0 homozygotes). However, this variant is filtered out in v3 and the one sample present in v2 is of low quality. (SP) 0708 - Other NMD-predicted variants comparable to the one identified in this case have conflicting previous evidence for pathogenicity. More than five other NMD-predicted variants have been reported in the literature in individuals with autism or neurodevelopmental disorders, including some that were observed to be de novo (PMIDs: 25418537, 28191889, 34253863). However, most of these were reported in large cohort studies with limited phenotype information. A further two NMD-predicted variants have been classified as VUS in ClinVar, including one that was observed to be homozygous. (I) 0809 - Previous evidence of pathogenicity for this variant is inconclusive. This variant has been observed as maternally inherited and heterozygous in an individual with austim; it is unclear whether the mother is also affected (PMID: 30564305). This variant has also been observed as homozygous in an individual with a syndromic neurodevelopmental disorder, with both parents observed to be carriers and not reported as being affected (DECIPHER). (I) 1007 - No published functional evidence has been identified for this variant. (I) 1208 - Inheritance information for this variant is not currently available in this individual. (I) Legend: (SP) - Supporting pathogenic, (I) - Information, (SB) - Supporting benign

PreventionGenetics, part of Exact Sciences
Classification: Likely pathogenic for DSCAM-related condition. Last evaluated: 2023-06-06. Review status: criteria provided, single submitter. Criteria: ACMG Guidelines, 2015. Collection method: clinical testing. Allele origin: germline.
Comment: The DSCAM c.4420G>T variant is predicted to result in premature protein termination (p.Glu1474*). This variant was reported in an individual with a neurodevelopmental disorder (Wang et al. 2020. PubMed ID: 33004838). This variant is reported in 0.0019% of alleles in individuals of European (Non-Finnish) descent in gnomAD. Nonsense variants in DSCAM are expected to be pathogenic. This variant is interpreted as likely pathogenic.

Literature cited by the submitters: PubMed 28600779 (cited by Center for Medical Genetics and Molecular Medicine, Haukeland University Hospital and Victorian Clinical Genetics Services, Murdoch Childrens Research Institute); PubMed 33170561 (cited by Center for Medical Genetics and Molecular Medicine, Haukeland University Hospital); PubMed 25418537 (cited by Victorian Clinical Genetics Services, Murdoch Childrens Research Institute); PubMed 28191889 (cited by Victorian Clinical Genetics Services, Murdoch Childrens Research Institute); PubMed 30564305 (cited by Victorian Clinical Genetics Services, Murdoch Childrens Research Institute); PubMed 34253863 (cited by Victorian Clinical Genetics Services, Murdoch Childrens Research Institute).

NM_001389.5(DSCAM):c.4420G>T (p.Glu1474Ter)

Gene: DSCAM (DS cell adhesion molecule; minus strand). Cytogenetic location: 21q22.2.
Variant type: single nucleotide variant.
Coding change: c.4420G>T on transcript NM_001389.5 (MANE Select); coding-DNA position 4420, G replaced by T.
Protein change: p.Glu1474Ter; replaces glutamic acid 1474 with a stop codon.
Molecular consequence: nonsense. On other transcripts: non-coding transcript variant (1).
Genome position (GRCh38, 1-based): chr21:40,080,152, C>A on the plus strand (G>T on the coding strand, the complement: DSCAM is on the minus strand). VCF-style: chr21-40080152-C-A. GRCh37 (hg19) VCF-style: chr21-41452079-C-A.
Other names: c.4420G>T, p.Glu1474Ter (NM_001271534.3, NM_206887.1); c.4420G>T (NM_001389.4); short protein forms E1474*.
Identifiers: ClinVar variation 2628499 (VCV002628499.3), dbSNP rs745374335, ClinGen allele CA10030670.
Genomic context (GRCh38, chr21:40,080,152, plus strand): 5'-ATCTCCTCTTCTGGCCGGGAAAAGAAAGGATATTAAGAAGCGATGAGAAGGCATACCTAC[C>A]TTTTCCTAAGGTCTTTGCTTCTATGATTTCACTTATGCGCCCTGGGCCCACTCCATTTTG-3'